The following is an entry in ClinVar:

NM_024529.5(CDC73):c.1453C>G (p.Leu485Val)

Gene: CDC73 (cell division cycle 73; plus strand). Cytogenetic location: 1q31.2.
Variant type: single nucleotide variant.
Coding change: c.1453C>G on transcript NM_024529.5 (MANE Select); coding-DNA position 1453, C replaced by G.
Protein change: p.Leu485Val; replaces leucine 485 with valine.
Molecular consequence: missense variant.
Genome position (GRCh38, 1-based): chr1:193,249,765, C>G. VCF-style: chr1-193249765-C-G. GRCh37 (hg19) VCF-style: chr1-193218895-C-G.
Other names: short protein forms L485V.
Identifiers: ClinVar variation 1411172 (VCV001411172.10), dbSNP rs761968225, ClinGen allele CA1303868.
Genomic context (GRCh38, chr1:193,249,765, plus strand): 5'-TAACTTCTCTCCACCCTCTCTATAGTTAAAGCCTTCCATCTGAAGTATGATGAAGTTCGT[C>G]TGGATCCAAATGTTCAGAAATGGGATGTAACAGTATTAGAACTCAGCTATCACAAACGTC-3'
Protein context (NP_078805.3, residues 475-495): AFHLKYDEVR[Leu485Val]DPNVQKWDVT

ClinVar aggregate classification (germline): Conflicting classifications of pathogenicity. Review status: criteria provided, conflicting classifications (1 of 4 stars). 3 submissions from 3 submitters: Uncertain significance (2); Likely benign (1). Last evaluated 2025-12-13.

Conditions:
Hereditary cancer-predisposing syndrome. Also called: Hereditary Cancer Syndrome; Tumor predisposition; Hereditary neoplastic syndrome; Neoplastic Syndromes, Hereditary. Identifiers: Orphanet 140162, MedGen C0027672, MeSH D009386, MONDO:0015356.
Parathyroid carcinoma (PRTC). Also called: Parathyroid gland carcinoma; CDC73-Related Parathyroid Carcinoma. Identifiers: Orphanet 143, MedGen C0687150, MONDO:0012004, OMIM 608266, HP:0006780.

Allele frequency attached by ClinVar (database versions not stated): gnomAD 0.00001.
gnomAD v4.1: 9 of 1,609,842 alleles (0.00056%); highest among the groups gnomAD compares: South Asian, 0.0033%; 1 homozygote.

Submissions (3):

Labcorp Genetics (formerly Invitae), Labcorp
Classification: Uncertain significance for Parathyroid carcinoma. Last evaluated: 2025-12-13. Review status: criteria provided, single submitter. Criteria: Invitae Variant Classification Sherloc (09022015). Collection method: clinical testing. Allele origin: germline.
Comment: This sequence change replaces leucine, which is neutral and non-polar, with valine, which is neutral and non-polar, at codon 485 of the CDC73 protein (p.Leu485Val). This variant is present in population databases (rs761968225, gnomAD 0.007%), including at least one homozygous and/or hemizygous individual. This variant has not been reported in the literature in individuals affected with CDC73-related conditions. ClinVar contains an entry for this variant (Variation ID: 1411172). Invitae Evidence Modeling of protein sequence and biophysical properties (such as structural, functional, and spatial information, amino acid conservation, physicochemical variation, residue mobility, and thermodynamic stability) indicates that this missense variant is not expected to disrupt CDC73 protein function with a negative predictive value of 80%. In summary, the available evidence is currently insufficient to determine the role of this variant in disease. Therefore, it has been classified as a Variant of Uncertain Significance.

Ambry Genetics
Classification: Likely benign for Hereditary cancer-predisposing syndrome. Last evaluated: 2023-08-16. Review status: criteria provided, single submitter. Criteria: Ambry Variant Classification Scheme 2023. Collection method: clinical testing. Allele origin: germline.

Sema4
Classification: Uncertain significance for Hereditary cancer-predisposing syndrome. Last evaluated: 2021-10-19. Review status: criteria provided, single submitter. Criteria: Sema4 Curation Guidelines. Collection method: curation. Allele origin: germline.
Comment: The CDC73 c.1453C>G (p.L485V) variant has not been reported in the literature to our knowledge. It was observed in 2/30590 chromosomes of the South Asian subpopulation, with one homozygote, in the large and broad cohorts of the Genome Aggregation Database (PMID: 32461654), but has not been reported in ClinVar. Functional studies have not been performed, and in silico predictions of the variant's effect on protein function are inconclusive. The evidence is insufficient to meet ACMG/AMP criteria for classifying it as benign or pathogenic. Thus, the clinical significance of this variant is currently uncertain.